The following is an entry in ClinVar:

NM_000016.6(ACADM):c.865G>T (p.Val289Phe)

Gene: ACADM (acyl-CoA dehydrogenase medium chain; plus strand). Cytogenetic location: 1p31.1.
Variant type: single nucleotide variant.
Coding change: c.865G>T on transcript NM_000016.6 (MANE Select); coding-DNA position 865, G replaced by T.
Protein change: p.Val289Phe; replaces valine 289 with phenylalanine.
Molecular consequence: missense variant.
Genome position (GRCh38, 1-based): chr1:75,750,466, G>T. VCF-style: chr1-75750466-G-T. GRCh37 (hg19) VCF-style: chr1-76216151-G-T.
Other names: c.877G>T, p.Val293Phe (NM_001127328.3); c.757G>T, p.Val253Phe (NM_001286042.2); c.964G>T, p.Val322Phe (NM_001286043.2); c.298G>T, p.Val100Phe (NM_001286044.2); short protein forms V322F, V100F, V253F, V289F, V293F.
Identifiers: ClinVar variation 954981 (VCV000954981.8), dbSNP rs1648137997, ClinGen allele CA340816957.

ClinVar aggregate classification (germline): Uncertain significance (1 of 4 stars; one submission).

Conditions:
Medium-chain acyl-coenzyme A dehydrogenase deficiency (ACADMD). Also called: MCADD; ACADM DEFICIENCY; MCADH DEFICIENCY; MCAD Deficiency; CARNITINE DEFICIENCY SECONDARY TO MEDIUM-CHAIN ACYL-CoA DEHYDROGENASE DEFICIENCY; Medium chain acyl-CoA dehydrogenase deficiency. Identifiers: Orphanet 42, MedGen C0220710, MONDO:0008721, OMIM 201450.

Submission:

Labcorp Genetics (formerly Invitae), Labcorp
Classification: Uncertain significance for Medium-chain acyl-coenzyme A dehydrogenase deficiency. Last evaluated: 2019-10-28. Review status: criteria provided, single submitter. Criteria: Invitae Variant Classification Sherloc (09022015). Collection method: clinical testing. Allele origin: germline.
Comment: This sequence change replaces valine with phenylalanine at codon 289 of the ACADM protein (p.Val289Phe). The valine residue is highly conserved and there is a small physicochemical difference between valine and phenylalanine. This variant is not present in population databases (ExAC no frequency). This variant has not been reported in the literature in individuals with ACADM-related conditions. Algorithms developed to predict the effect of missense changes on protein structure and function are either unavailable or do not agree on the potential impact of this missense change (SIFT: "Deleterious"; PolyPhen-2: "Probably Damaging"; Align-GVGD: "Class C0"). This variant disrupts the p.Val289 amino acid residue in ACADM. Other variant(s) that disrupt this residue have been observed in individuals with ACADM-related conditions (PMID: 22630369), which suggests that this may be a clinically significant amino acid residue. In summary, the available evidence is currently insufficient to determine the role of this variant in disease. Therefore, it has been classified as a Variant of Uncertain Significance.

Literature cited by the submitters: PubMed 22630369.